The following is an entry in ClinVar:

ClinVar aggregate classification (germline): Likely benign. Review status: criteria provided, multiple submitters, no conflicts (2 of 4 stars). 2 submissions from 2 submitters: Likely benign (2). Last evaluated 2025-12-31.

Conditions:
Tuberous sclerosis 2 (TSC2). Identifiers: Orphanet 805, MedGen C1860707, MONDO:0013199, OMIM 613254.

Submissions (2):

Labcorp Genetics (formerly Invitae), Labcorp
Classification: Likely benign for Tuberous sclerosis 2. Last evaluated: 2025-12-31. Review status: criteria provided, single submitter. Criteria: Invitae Variant Classification Sherloc (09022015). Collection method: clinical testing. Allele origin: germline.

Myriad Genetics, Inc.
Classification: Likely benign for Tuberous sclerosis 2. Last evaluated: 2024-08-15. Review status: criteria provided, single submitter. Criteria: Myriad Autosomal Dominant, Autosomal Recessive and X-Linked Classification Criteria (2023). Collection method: clinical testing. Allele origin: unknown.
Comment: This variant is considered likely benign. This variant is intronic and is not expected to impact mRNA splicing. This variant has been observed at a population frequency that is significantly greater than expected given the associated disease prevalence and penetrance.

NM_000548.5(TSC2):c.3398-16_3398-15del

Gene: TSC2 (TSC complex subunit 2; plus strand). Cytogenetic location: 16p13.3.
Variant type: Microsatellite.
Coding change: c.3398-16_3398-15del on transcript NM_000548.5 (MANE Select); 16 bases into the intron before coding-DNA position 3398 through 15 bases into the intron before coding-DNA position 3398, 2 bases deleted (CT; older notation c.3398-16_3398-15delCT).
Molecular consequence: intron variant.
Genome position (GRCh38, 1-based): chr16:2,080,149-2,080,150, CT deleted; deleting any 2 consecutive bases within chr16:2,080,147-2,080,150 gives the same sequence; the c. name uses the placement nearest the transcript's 3' end. VCF-style (leftmost placement, unchanged base first): chr16-2080146-CCT-C. GRCh37 (hg19) VCF-style: chr16-2130147-CCT-C.
Other names: c.3398-16_3398-15del (NM_001114382.3); c.3269-16_3269-15del (NM_021055.3, NM_001370405.1, NM_001363528.2); c.3266-16_3266-15del (NM_001370404.1, NM_001077183.3); c.3158-16_3158-15del (NM_001318827.2); c.2666-16_2666-15del (NM_001318831.2); c.3122-16_3122-15del (NM_001318829.2); c.3299-16_3299-15del (NM_001318832.2).
Identifiers: ClinVar variation 2063386 (VCV002063386.5), dbSNP rs772748130, ClinGen allele CA046604.